The following is an entry in ClinVar:

NM_007078.3(LDB3):c.751A>G (p.Lys251Glu)

Gene: LDB3 (LIM domain binding 3; plus strand). Cytogenetic location: 10q23.2.
Variant type: single nucleotide variant.
Coding change: c.751A>G on transcript NM_007078.3 (MANE Select); coding-DNA position 751, A replaced by G.
Protein change: p.Lys251Glu; replaces lysine 251 with glutamic acid.
Molecular consequence: missense variant.
Genome position (GRCh38, 1-based): chr10:86,691,957, A>G. VCF-style: chr10-86691957-A-G. GRCh37 (hg19) VCF-style: chr10-88451714-A-G.
Other names: c.610A>G, p.Lys204Glu (NM_001080114.2, NM_001080116.1, NM_001368066.1 and 2 more transcripts); c.751A>G, p.Lys251Glu (NM_001080115.2, NM_001368063.1, NM_001368064.1 and 1 more transcripts); c.955A>G, p.Lys319Glu (NM_001171610.2, NM_001171611.2); short protein forms K204E, K251E, K319E.
Identifiers: ClinVar variation 4765616 (VCV004765616.1).

ClinVar aggregate classification (germline): Uncertain significance (1 of 4 stars; one submission).

Conditions:
Myofibrillar myopathy 4. Also called: Zaspopathy (type). Identifiers: Orphanet 98912, MedGen C4721886, MONDO:0012277, OMIM 609452.

Submission:

Labcorp Genetics (formerly Invitae), Labcorp
Classification: Uncertain significance for Myofibrillar myopathy 4. Last evaluated: 2025-06-01. Review status: criteria provided, single submitter. Criteria: Invitae Variant Classification Sherloc (09022015). Collection method: clinical testing. Allele origin: germline.
Comment: This sequence change replaces lysine, which is basic and polar, with glutamic acid, which is acidic and polar, at codon 204 of the LDB3 protein (p.Lys204Glu). This variant is not present in population databases (gnomAD no frequency). This variant has not been reported in the literature in individuals affected with LDB3-related conditions. An algorithm developed to predict the effect of missense changes on protein structure and function (PolyPhen-2) suggests that this variant is likely to be tolerated. In summary, the available evidence is currently insufficient to determine the role of this variant in disease. Therefore, it has been classified as a Variant of Uncertain Significance.